The following is an entry in ClinVar:

ClinVar aggregate classification (germline): Pathogenic. Review status: criteria provided, multiple submitters, no conflicts (2 of 4 stars). 4 submissions from 4 submitters: Pathogenic (2). 2 of the submissions do not count toward it. Last evaluated 2025-02-04.

Conditions:
Hereditary cancer-predisposing syndrome. Also called: Tumor predisposition; Hereditary neoplastic syndrome; Neoplastic Syndromes, Hereditary; Hereditary Cancer Syndrome. Identifiers: Orphanet 140162, MedGen C0027672, MeSH D009386, MONDO:0015356.
Cardiovascular phenotype. Identifiers: MedGen CN230736.

Submissions (4):

Ambry Genetics
Classification: Pathogenic for Cardiovascular phenotype; Hereditary cancer-predisposing syndrome. Last evaluated: 2025-02-04. Review status: criteria provided, single submitter. Criteria: Ambry Variant Classification Scheme 2023. Collection method: clinical testing. Allele origin: germline.
Comment: The c.7887delT pathogenic mutation, located in coding exon 53 of the NF1 gene, results from a deletion of one nucleotide at nucleotide position 7887, causing a translational frameshift with a predicted alternate stop codon (p.V2632Sfs*26). This variant is considered to be rare based on population cohorts in the Genome Aggregation Database (gnomAD). This alteration is expected to result in loss of function by premature protein truncation or nonsense-mediated mRNA decay. As such, this alteration is interpreted as a disease-causing mutation.

GeneDx
Classification: Pathogenic. Last evaluated: 2024-03-29. Review status: criteria provided, single submitter. Criteria: GeneDx Variant Classification Process June 2021. Collection method: clinical testing. Allele origin: germline. Affected: yes.
Comment: Frameshift variant predicted to result in protein truncation or nonsense mediated decay in a gene for which loss of function is a known mechanism of disease; Not observed at significant frequency in large population cohorts (gnomAD); This variant is associated with the following publications: (PMID: 16199547)

Clinical Genetics DNA and cytogenetics Diagnostics Lab, Erasmus MC, Erasmus Medical Center
Classification: Pathogenic. Review status: no assertion criteria provided. Collection method: clinical testing. Allele origin: germline. Affected: yes. Study: VKGL Data-share Consensus. Not counted in ClinVar's aggregate classification.

Joint Genome Diagnostic Labs from Nijmegen and Maastricht, Radboudumc and MUMC+
Classification: Pathogenic. Review status: no assertion criteria provided. Collection method: clinical testing. Allele origin: germline. Affected: yes. Study: VKGL Data-share Consensus. Not counted in ClinVar's aggregate classification.

NM_001042492.3(NF1):c.7950del (p.Val2653fs)

Gene: NF1 (neurofibromin 1; plus strand). Cytogenetic location: 17q11.2.
Variant type: Deletion.
Coding change: c.7950del on transcript NM_001042492.3 (MANE Select); coding-DNA position 7950, one base deleted (T; older notation c.7950delT).
Protein change: p.Val2653fs; shifts the reading frame from valine 2653.
Molecular consequence: frameshift variant.
Genome position (GRCh38, 1-based): chr17:31,357,349, T deleted; the last of 3 consecutive T bases (chr17:31,357,347-31,357,349); deleting any one gives the same sequence. VCF-style (leftmost placement, unchanged base first): chr17-31357346-GT-G. GRCh37 (hg19) VCF-style: chr17-29684364-GT-G.
Other names: c.7887delT (NM_000267.3); c.7887delT, p.Val2632Serfs (NM_000267.4); short protein forms V2632fs, V2653fs.
Identifiers: ClinVar variation 1299977 (VCV001299977.4), dbSNP rs2070298779, ClinGen allele CA2499224248.